The following is an entry in ClinVar:

NM_000260.4(MYO7A):c.5340C>G (p.Tyr1780Ter)

Gene: MYO7A (myosin VIIA; plus strand). Cytogenetic location: 11q13.5.
Variant type: single nucleotide variant.
Coding change: c.5340C>G on transcript NM_000260.4 (MANE Select); coding-DNA position 5340, C replaced by G.
Protein change: p.Tyr1780Ter; replaces tyrosine 1780 with a stop codon.
Molecular consequence: nonsense.
Genome position (GRCh38, 1-based): chr11:77,204,089, C>G. VCF-style: chr11-77204089-C-G. GRCh37 (hg19) VCF-style: chr11-76915134-C-G.
Other names: c.5226C>G, p.Tyr1742Ter (NM_001127180.2); c.5193C>G, p.Tyr1731Ter (NM_001369365.1); short protein forms Y1742*, Y1731*, Y1780*.
Identifiers: ClinVar variation 2025534 (VCV002025534.4), dbSNP rs1957267246, ClinGen allele CA381952522.

ClinVar aggregate classification (germline): Pathogenic (1 of 4 stars; one submission).

Submission:

Labcorp Genetics (formerly Invitae), Labcorp
Classification: Pathogenic. Last evaluated: 2022-08-21. Review status: criteria provided, single submitter. Criteria: Invitae Variant Classification Sherloc (09022015). Collection method: clinical testing. Allele origin: germline.
Comment: For these reasons, this variant has been classified as Pathogenic. Algorithms developed to predict the effect of sequence changes on RNA splicing suggest that this variant may create or strengthen a splice site. This variant has not been reported in the literature in individuals affected with MYO7A-related conditions. This variant is not present in population databases (gnomAD no frequency). This sequence change creates a premature translational stop signal (p.Tyr1780*) in the MYO7A gene. It is expected to result in an absent or disrupted protein product. Loss-of-function variants in MYO7A are known to be pathogenic (PMID: 8900236, 25404053).

Literature cited by the submitters: PubMed 8900236; PubMed 25404053.